The following is an entry in ClinVar:

ClinVar aggregate classification (germline): Pathogenic (1 of 4 stars; one submission).

Submission:

Labcorp Genetics (formerly Invitae), Labcorp
Classification: Pathogenic. Last evaluated: 2022-04-25. Review status: criteria provided, single submitter. Criteria: Invitae Variant Classification Sherloc (09022015). Collection method: clinical testing. Allele origin: germline.
Comment: For these reasons, this variant has been classified as Pathogenic. This sequence change creates a premature translational stop signal (p.Pro232Leufs*23) in the BCS1L gene. It is expected to result in an absent or disrupted protein product. Loss-of-function variants in BCS1L are known to be pathogenic (PMID: 12215968, 17314340, 19162478, 19508421, 22277166, 25895478). This variant is not present in population databases (gnomAD no frequency). This variant has not been reported in the literature in individuals affected with BCS1L-related conditions.

Literature cited by the submitters: PubMed 12215968; PubMed 17314340; PubMed 19162478; PubMed 19508421; PubMed 22277166; PubMed 25895478.

NM_001079866.2(BCS1L):c.695del (p.Pro232fs)

Gene: BCS1L (BCS1 ubiquinol-cytochrome c reductase complex chaperone; plus strand). Cytogenetic location: 2q35.
Variant type: Deletion.
Coding change: c.695del on transcript NM_001079866.2 (MANE Select); coding-DNA position 695, one base deleted (C; older notation c.695delC).
Protein change: p.Pro232fs; shifts the reading frame from proline 232.
Molecular consequence: frameshift variant. On other transcripts: non-coding transcript variant (1).
Genome position (GRCh38, 1-based): chr2:218,662,236, C deleted; the last of 5 consecutive C bases (chr2:218,662,232-218,662,236); deleting any one gives the same sequence. VCF-style (leftmost placement, unchanged base first): chr2-218662231-GC-G. GRCh37 (hg19) VCF-style: chr2-219526954-GC-G.
Other names: c.695del, p.Pro232fs (NM_001257342.2, NM_001257343.2, NM_001257344.2 and 10 more transcripts); c.335del, p.Pro112fs (NM_001318836.2, NM_001371451.1); c.194del, p.Pro65fs (NM_001371452.1, NM_001371453.1, NM_001371454.1 and 3 more transcripts); short protein forms P112fs, P65fs, P232fs.
Identifiers: ClinVar variation 2130564 (VCV002130564.4), dbSNP rs2469885359, ClinGen allele CA2577245098.
Genomic context (GRCh38, chr2:218,662,231, plus strand): 5'-CATGATCATCCTGGCTCTATCCCTAGGCATTCCTTACAGACGTGGCTACCTGCTTTATGG[GC>G]CCCCTGGTTGCGGAAAGAGCAGTTTTATGTGAGTATTCAAAATTTCTCTCAACTTGGCAA-3'